The following is an entry in ClinVar:

ClinVar aggregate classification (germline): Uncertain significance. Review status: criteria provided, multiple submitters, no conflicts (2 of 4 stars). 2 submissions from 2 submitters: Uncertain significance (2). Last evaluated 2024-10-22.

Conditions:
Autosomal recessive limb-girdle muscular dystrophy type 2L (LGMDR12). Also called: Limb-girdle muscular dystrophy, type 2L; MUSCULAR DYSTROPHY, LIMB-GIRDLE, AUTOSOMAL RECESSIVE 12; Limb-Girdle Muscular Dystrophy R12 Anoctamin-5-Related (LGMD-R12). Identifiers: Orphanet 206549, MedGen C1969785, MONDO:0012652, OMIM 611307.
Gnathodiaphyseal dysplasia (GDD). Also called: GNATHODIAPHYSEAL SCLEROSIS; OSTEOGENESIS IMPERFECTA WITH UNUSUAL SKELETAL LESIONS. Identifiers: Orphanet 53697, MedGen C1833736, MONDO:0008151, OMIM 166260.

Allele frequency attached by ClinVar (database versions not stated): ExAC 0.00002; gnomAD exomes 0.00003; TOPMed 0.00008; gnomAD 0.00009.
gnomAD v4.1: 84 of 1,613,840 alleles (0.0052%); highest among the groups gnomAD compares: African/African-American, 0.017%; no homozygotes.

Submissions (2):

Labcorp Genetics (formerly Invitae), Labcorp
Classification: Uncertain significance for Autosomal recessive limb-girdle muscular dystrophy type 2L; Gnathodiaphyseal dysplasia. Last evaluated: 2024-10-22. Review status: criteria provided, single submitter. Criteria: Invitae Variant Classification Sherloc (09022015). Collection method: clinical testing. Allele origin: germline.
Comment: This sequence change replaces valine, which is neutral and non-polar, with isoleucine, which is neutral and non-polar, at codon 474 of the ANO5 protein (p.Val474Ile). This variant is present in population databases (rs750702622, gnomAD 0.01%). This variant has not been reported in the literature in individuals affected with ANO5-related conditions. ClinVar contains an entry for this variant (Variation ID: 1357799). Invitae Evidence Modeling of protein sequence and biophysical properties (such as structural, functional, and spatial information, amino acid conservation, physicochemical variation, residue mobility, and thermodynamic stability) indicates that this missense variant is not expected to disrupt ANO5 protein function with a negative predictive value of 95%. In summary, the available evidence is currently insufficient to determine the role of this variant in disease. Therefore, it has been classified as a Variant of Uncertain Significance.

GeneDx
Classification: Uncertain significance. Last evaluated: 2024-09-23. Review status: criteria provided, single submitter. Criteria: GeneDx Variant Classification Process June 2021. Collection method: clinical testing. Allele origin: germline. Affected: yes.
Comment: Reportedly previously as a de novo variant in a cohort of patients with developmental disorders; however, no further clinical information was provided and the patient also harbored a de novo variant in a different gene (PMID: 33057194); In silico analysis indicates that this missense variant does not alter protein structure/function; This variant is associated with the following publications: (PMID: 35982159, 33057194)

NM_213599.3(ANO5):c.1420G>A (p.Val474Ile)

Gene: ANO5 (anoctamin 5; plus strand). Cytogenetic location: 11p14.3.
Variant type: single nucleotide variant.
Coding change: c.1420G>A on transcript NM_213599.3 (MANE Select); coding-DNA position 1420, G replaced by A.
Protein change: p.Val474Ile; replaces valine 474 with isoleucine.
Molecular consequence: missense variant.
Genome position (GRCh38, 1-based): chr11:22,259,531, G>A. VCF-style: chr11-22259531-G-A. GRCh37 (hg19) VCF-style: chr11-22281077-G-A.
Other names: c.1420G>A (NM_213599.2); c.1417G>A, p.Val473Ile (NM_001142649.2); short protein forms V473I, V474I.
Identifiers: ClinVar variation 1357799 (VCV001357799.7), dbSNP rs750702622, ClinGen allele CA5923259.
Genomic context (GRCh38, chr11:22,259,531, plus strand): 5'-ACAGAGATACAGAGACCCAAATAGCAGTTCTTTGTTTTCCTTTCCCAGATGTCTCTTGTC[G>A]TCACCAGTATGGTAGCTGTAATTGTGTACCGCCTGTCAGTCTTTGCTACATTTGCTAGTT-3'
Protein context (NP_998764.1, residues 464-484): ATVTLWMSLV[Val474Ile]TSMVAVIVYR